The following is an entry in ClinVar:

NM_024675.4(PALB2):c.2515-20T>C

Gene: PALB2 (partner and localizer of BRCA2; minus strand). Cytogenetic location: 16p12.2.
Variant type: single nucleotide variant.
Coding change: c.2515-20T>C on transcript NM_024675.4 (MANE Select); 20 bases into the intron before coding-DNA position 2515, T replaced by C.
Molecular consequence: intron variant.
Genome position (GRCh38, 1-based): chr16:23,629,295, A>G on the plus strand (T>C on the coding strand, the complement: PALB2 is on the minus strand). VCF-style: chr16-23629295-A-G. GRCh37 (hg19) VCF-style: chr16-23640616-A-G.
Identifiers: ClinVar variation 629245 (VCV000629245.12), dbSNP rs1567216962, ClinGen allele CA913188734.
Genomic context (GRCh38, chr16:23,629,295, plus strand): 5'-GGGTTTATGCTATCAGAAGCAGGAAGCTCTGCTGTTTCAGTCTGTGAAAACAAAAGTCAC[A>G]TCATTAGTCTACACTTTATGTATAATGTCTGCCTGCATTACCCACTCATCAAAATGTCTA-3'

ClinVar aggregate classification (germline): Likely benign. Review status: criteria provided, multiple submitters, no conflicts (2 of 4 stars). 3 submissions from 3 submitters: Likely benign (3). Last evaluated 2025-11-18.

Conditions:
Hereditary cancer-predisposing syndrome. Also called: Neoplastic Syndromes, Hereditary; Tumor predisposition; Hereditary neoplastic syndrome; Hereditary Cancer Syndrome. Identifiers: Orphanet 140162, MedGen C0027672, MeSH D009386, MONDO:0015356.
Familial cancer of breast. Also called: BREAST CANCER, FAMILIAL; Hereditary breast cancer; hereditary breast carcinoma. Identifiers: Orphanet 227535, MedGen C0346153, MONDO:0016419, OMIM 114480. Disease mechanism: loss of function.

Allele frequency attached by ClinVar (database versions not stated): gnomAD exomes below 0.00001.
gnomAD v4.1: 1 of 1,602,446 alleles (0.000062%); highest among the groups gnomAD compares: South Asian, 0.0011%; no homozygotes.

Submissions (3):

Labcorp Genetics (formerly Invitae), Labcorp
Classification: Likely benign for Familial cancer of breast. Last evaluated: 2025-11-18. Review status: criteria provided, single submitter. Criteria: Invitae Variant Classification Sherloc (09022015). Collection method: clinical testing. Allele origin: germline.

Myriad Genetics, Inc.
Classification: Likely benign for Familial cancer of breast. Last evaluated: 2025-01-16. Review status: criteria provided, single submitter. Criteria: Myriad Autosomal Dominant, Autosomal Recessive and X-Linked Classification Criteria (2023). Collection method: clinical testing. Allele origin: unknown.
Comment: This variant is considered likely benign. This variant is intronic and is not expected to impact mRNA splicing.

Color Diagnostics, LLC DBA Color Health
Classification: Likely benign for Hereditary cancer-predisposing syndrome. Last evaluated: 2018-09-24. Review status: criteria provided, single submitter. Criteria: ACMG Guidelines, 2015. Collection method: clinical testing. Allele origin: germline.